The following is an entry in ClinVar:

NM_003072.5(SMARCA4):c.1479C>T (p.Val493=)

Gene: SMARCA4 (SWI/SNF related BAF chromatin remodeling complex subunit ATPase 4; plus strand). Cytogenetic location: 19p13.2.
Variant type: single nucleotide variant.
Coding change: c.1479C>T on transcript NM_003072.5 (MANE Select); coding-DNA position 1479, C replaced by T.
Protein change: p.Val493=; no amino-acid change (valine 493 retained).
Molecular consequence: synonymous variant. On other transcripts: non-coding transcript variant (1).
Genome position (GRCh38, 1-based): chr19:10,994,887, C>T. VCF-style: chr19-10994887-C-T. GRCh37 (hg19) VCF-style: chr19-11105563-C-T.
Other names: c.1479C>T, p.Val493= (NM_001128844.3, NM_001128845.2, NM_001128846.2 and 5 more transcripts).
Identifiers: ClinVar variation 415171 (VCV000415171.15), dbSNP rs1060504468, ClinGen allele CA16615896.

ClinVar aggregate classification (germline): Benign/Likely benign. Review status: criteria provided, multiple submitters, no conflicts (2 of 4 stars). 3 submissions from 3 submitters: Benign (1); Likely benign (2). Last evaluated 2026-07-10.

Conditions:
Hereditary cancer-predisposing syndrome. Also called: Hereditary Cancer Syndrome; Hereditary neoplastic syndrome; Neoplastic Syndromes, Hereditary; Tumor predisposition. Identifiers: Orphanet 140162, MedGen C0027672, MeSH D009386, MONDO:0015356.
Rhabdoid tumor predisposition syndrome 2 (RTPS2). Identifiers: Orphanet 231108, Orphanet 69077, MedGen C2750074, MONDO:0013224, OMIM 613325.

Allele frequency attached by ClinVar (database versions not stated): gnomAD exomes below 0.00001.
gnomAD v4.1: 2 of 1,614,114 alleles (0.00012%); highest among the groups gnomAD compares: Non-Finnish European, 0.00017%; no homozygotes.

Submissions (3):

Myriad Genetics, Inc.
Classification: Benign for Rhabdoid tumor predisposition syndrome 2. Last evaluated: 2026-07-10. Review status: criteria provided, single submitter. Criteria: Myriad Autosomal Dominant, Autosomal Recessive and X-Linked Classification Criteria (2023). Collection method: clinical testing. Allele origin: unknown.
Comment: This variant is considered benign. This variant is a silent/synonymous amino acid change and it is not expected to impact splicing.

Labcorp Genetics (formerly Invitae), Labcorp
Classification: Likely benign for Rhabdoid tumor predisposition syndrome 2. Last evaluated: 2025-06-17. Review status: criteria provided, single submitter. Criteria: Invitae Variant Classification Sherloc (09022015). Collection method: clinical testing. Allele origin: germline.

Ambry Genetics
Classification: Likely benign for Hereditary cancer-predisposing syndrome. Last evaluated: 2016-06-20. Review status: criteria provided, single submitter. Criteria: Ambry Variant Classification Scheme 2023. Collection method: clinical testing. Allele origin: germline.